The following is an entry in ClinVar:

ClinVar aggregate classification (germline): Benign/Likely benign. Review status: criteria provided, multiple submitters, no conflicts (2 of 4 stars). 4 submissions from 4 submitters: Benign (1); Likely benign (3). Last evaluated 2025-02-04.

Conditions:
Hereditary nonpolyposis colorectal neoplasms. Identifiers: MedGen C0009405, MeSH D003123.
Hereditary cancer-predisposing syndrome. Also called: Neoplastic Syndromes, Hereditary; Tumor predisposition; Hereditary Cancer Syndrome; Hereditary neoplastic syndrome. Identifiers: Orphanet 140162, MedGen C0027672, MeSH D009386, MONDO:0015356.
Lynch syndrome 4 (LYNCH4). Also called: Colorectal cancer, hereditary nonpolyposis, type 4; Hereditary non-polyposis colorectal cancer, type 4. Identifiers: Orphanet 144, MedGen C1838333, MONDO:0013699, OMIM 614337. Disease mechanism: loss of function.

Allele frequency attached by ClinVar (database versions not stated): TOPMed 0.00001.

Submissions (4):

Myriad Genetics, Inc.
Classification: Benign for Lynch syndrome 4. Last evaluated: 2025-02-04. Review status: criteria provided, single submitter. Criteria: Myriad Autosomal Dominant, Autosomal Recessive and X-Linked Classification Criteria (2023). Collection method: clinical testing. Allele origin: unknown.
Comment: This variant is considered benign. This variant is a silent/synonymous amino acid change and it is not expected to impact splicing.

Color Diagnostics, LLC DBA Color Health
Classification: Likely benign for Hereditary cancer-predisposing syndrome. Last evaluated: 2024-04-29. Review status: criteria provided, single submitter. Criteria: ACMG Guidelines, 2015. Collection method: clinical testing. Allele origin: germline.

Labcorp Genetics (formerly Invitae), Labcorp
Classification: Likely benign for Hereditary nonpolyposis colorectal neoplasms. Last evaluated: 2023-04-06. Review status: criteria provided, single submitter. Criteria: Invitae Variant Classification Sherloc (09022015). Collection method: clinical testing. Allele origin: germline.

Ambry Genetics
Classification: Likely benign for Hereditary cancer-predisposing syndrome. Last evaluated: 2018-06-25. Review status: criteria provided, single submitter. Criteria: Ambry Variant Classification Scheme 2023. Collection method: clinical testing. Allele origin: germline.

NM_000535.7(PMS2):c.2355A>G (p.Glu785=)

Gene: PMS2 (PMS1 homolog 2, mismatch repair system component; minus strand). Cytogenetic location: 7p22.1.
Variant type: single nucleotide variant.
Coding change: c.2355A>G on transcript NM_000535.7 (MANE Select); coding-DNA position 2355, A replaced by G.
Protein change: p.Glu785=; no amino-acid change (glutamic acid 785 retained).
Molecular consequence: synonymous variant. On other transcripts: non-coding transcript variant (1).
Genome position (GRCh38, 1-based): chr7:5,977,678, T>C on the plus strand (A>G on the coding strand, the complement: PMS2 is on the minus strand). VCF-style: chr7-5977678-T-C. GRCh37 (hg19) VCF-style: chr7-6017309-T-C.
Other names: c.1950A>G, p.Glu650= (NM_001322003.2, NM_001322004.2, NM_001322005.2); c.2199A>G, p.Glu733= (NM_001322006.2); c.2037A>G, p.Glu679= (NM_001322007.2, NM_001322008.2); c.1983A>G, p.Glu661= (NM_001322009.2); c.1794A>G, p.Glu598= (NM_001322010.2); c.1422A>G, p.Glu474= (NM_001322011.2, NM_001322012.2); c.1782A>G, p.Glu594= (NM_001322013.2); c.2388A>G, p.Glu796= (NM_001322014.2); and 1 more.
Identifiers: ClinVar variation 821068 (VCV000821068.15), dbSNP rs1419416825, ClinGen allele CA453642415.